The following is an entry in ClinVar:

ClinVar aggregate classification (germline): Uncertain significance. Review status: criteria provided, multiple submitters, no conflicts (2 of 4 stars). 8 submissions from 8 submitters: Uncertain significance (8). Last evaluated 2026-06-25.

Conditions:
SDHAF2-related disorder. Also called: SDHAF2-related condition.
Hereditary cancer-predisposing syndrome. Also called: Neoplastic Syndromes, Hereditary; Tumor predisposition; Hereditary Cancer Syndrome; Hereditary neoplastic syndrome. Identifiers: Orphanet 140162, MedGen C0027672, MeSH D009386, MONDO:0015356.
Hereditary pheochromocytoma and paraganglioma. Also called: Hereditary Paraganglioma-Pheochromocytoma Syndromes; Hereditary paragangliomas and pheochromocytomas; Hereditary pheochromocytoma-paraganglioma. Identifiers: Orphanet 29072, MedGen C4274332, MONDO:0017366.
Pheochromocytoma/paraganglioma syndrome 2. Also called: SDHAF2-Related Hereditary Paraganglioma-Pheochromocytoma Syndrome; GLOMUS TUMORS, FAMILIAL, 2; SDHAF2-Related Hereditary Paraganglioma-Pheochromocytoma Syndrome (Paragangliomas 2); Paragangliomas 2. Identifiers: Orphanet 29072, MedGen C1866552, MONDO:0011121, OMIM 601650.

Allele frequency attached by ClinVar (database versions not stated): gnomAD 0.00001 and 0.00002; gnomAD exomes 0.00001 and 0.00004; TOPMed 0.00001.
gnomAD v4.1: 64 of 1,613,934 alleles (0.004%); highest among the groups gnomAD compares: Non-Finnish European, 0.0052%; no homozygotes.

Submissions (8):

PreventionGenetics, part of Exact Sciences
Classification: Uncertain significance for SDHAF2-related condition. Last evaluated: 2026-06-25. Review status: criteria provided, single submitter. Criteria: ACMG Guidelines, 2015. Collection method: clinical testing. Allele origin: germline.
Comment: The SDHAF2 c.221G>A variant is predicted to result in the amino acid substitution p.Ser74Asn. This variant was reported in a cohort of individuals with renal cell carcinoma (Yngvadottir et al. 2022. PubMed ID: 35441217). It is reported in 0.0027% of alleles in individuals of European (Non-Finnish) descent in gnomAD and is classified as uncertain in ClinVar (Variation ID: 411602). At this time, the clinical significance of this variant is uncertain due to the absence of conclusive functional and genetic evidence.

Labcorp Genetics (formerly Invitae), Labcorp
Classification: Uncertain significance for Hereditary pheochromocytoma and paraganglioma. Last evaluated: 2026-02-01. Review status: criteria provided, single submitter. Criteria: Invitae Variant Classification Sherloc (09022015). Collection method: clinical testing. Allele origin: germline.
Comment: This sequence change replaces serine, which is neutral and polar, with asparagine, which is neutral and polar, at codon 74 of the SDHAF2 protein (p.Ser74Asn). This variant is present in population databases (no rsID available, gnomAD 0.003%). This variant has not been reported in the literature in individuals affected with SDHAF2-related conditions. ClinVar contains an entry for this variant (Variation ID: 411602). An algorithm developed to predict the effect of missense changes on protein structure and function (PolyPhen-2) suggests that this variant is likely to be disruptive. In summary, the available evidence is currently insufficient to determine the role of this variant in disease. Therefore, it has been classified as a Variant of Uncertain Significance.

Color Diagnostics, LLC DBA Color Health
Classification: Uncertain significance for Hereditary pheochromocytoma and paraganglioma. Last evaluated: 2025-06-02. Review status: criteria provided, single submitter. Criteria: ACMG Guidelines, 2015. Collection method: clinical testing. Allele origin: germline.
Comment: This missense variant replaces serine with asparagine at codon 74 of the SDHAF2 protein. Computational prediction is inconclusive regarding the impact of this variant on protein structure and function. To our knowledge, functional studies have not been reported for this variant. This variant has been reported in an individual affected with renal cell carcinoma in the literature (PMID: 35441217). This variant has been identified in 3/249978 chromosomes in the general population by the Genome Aggregation Database (gnomAD). The available evidence is insufficient to determine the role of this variant in disease conclusively. Therefore, this variant is classified as a Variant of Uncertain Significance.

Quest Diagnostics Nichols Institute San Juan Capistrano
Classification: Uncertain significance. Last evaluated: 2024-07-31. Review status: criteria provided, single submitter. Criteria: Quest Diagnostics criteria. Collection method: clinical testing. Allele origin: unknown.
Comment: The SDHAF2 c.221G>A (p.Ser74Asn) variant has been reported in the published literature in in an individual with renal cell carcinoma (PMID: 35441217 (2022)). This variant has also been identified in a reportedly healthy individual (PMID: 29641532 (2018)). The frequency of this variant in the general population, 0.000027 (3/112618 chromosomes (Genome Aggregation Database)), is uninformative in the assessment of its pathogenicity. Analysis of this variant using bioinformatics tools for the prediction of the effect of amino acid changes on protein structure and function yielded predictions that this variant is damaging. Based on the available information, we are unable to determine the clinical significance of this variant.

Ambry Genetics
Classification: Uncertain significance for Hereditary cancer-predisposing syndrome. Last evaluated: 2024-01-31. Review status: criteria provided, single submitter. Criteria: Ambry Variant Classification Scheme 2023. Collection method: clinical testing. Allele origin: germline.
Comment: The p.S74N variant (also known as c.221G>A), located in coding exon 2 of the SDHAF2 gene, results from a G to A substitution at nucleotide position 221. The serine at codon 74 is replaced by asparagine, an amino acid with highly similar properties. This alteration was detected in a cohort of 1336 renal cell carcinoma cases (Yngvadottir B et al. Hum Mol Genet, 2022 Aug;31:3001-3011). This amino acid position is highly conserved in available vertebrate species. In addition, the in silico prediction for this alteration is inconclusive. Based on the available evidence, the clinical significance of this alteration remains unclear.

All of Us Research Program, National Institutes of Health
Classification: Uncertain significance for Hereditary pheochromocytoma and paraganglioma. Last evaluated: 2023-12-14. Review status: criteria provided, single submitter. Criteria: ACMG Guidelines, 2015. Collection method: clinical testing. Allele origin: germline. Inheritance: Autosomal dominant inheritance. Observed: 9 variant alleles, 9 heterozygotes.
Comment: This missense variant replaces serine with asparagine at codon 74 of the SDHAF2 protein. Computational prediction is inconclusive regarding the impact of this variant on protein structure and function (internally defined REVEL score threshold 0.5 < inconclusive < 0.7, PMID: 27666373). To our knowledge, functional studies have not been reported for this variant. This variant has not been reported in individuals affected with SDHAF2-related disorders in the literature. This variant has been identified in 3/249978 chromosomes in the general population by the Genome Aggregation Database (gnomAD). The available evidence is insufficient to determine the role of this variant in disease conclusively. Therefore, this variant is classified as a Variant of Uncertain Significance.

This study involves interpretation of variants in research participants for the purpose of population health screening. Participant phenotype was not available at the time of variant classification. Additional details can be found in publication PMID: 35346344, PMCID: PMC8962531

GeneDx
Classification: Uncertain significance. Last evaluated: 2023-11-09. Review status: criteria provided, single submitter. Criteria: GeneDx Variant Classification Process June 2021. Collection method: clinical testing. Allele origin: germline. Affected: yes.
Comment: Not observed at significant frequency in large population cohorts (gnomAD); In silico analysis supports that this missense variant has a deleterious effect on protein structure/function; Identified in an individual with renal cell carcinoma (PMID: 35441217); This variant is associated with the following publications: (PMID: 35441217)

Baylor Genetics
Classification: Uncertain significance for Pheochromocytoma/paraganglioma syndrome 2. Last evaluated: 2023-10-12. Review status: criteria provided, single submitter. Criteria: ACMG Guidelines, 2015. Collection method: clinical testing. Allele origin: unknown.

Literature cited by the submitters: PubMed 35441217 (cited by 3 submitters); PubMed 29641532 (cited by Quest Diagnostics Nichols Institute San Juan Capistrano).

NM_017841.4(SDHAF2):c.221G>A (p.Ser74Asn)

Gene: SDHAF2 (succinate dehydrogenase complex assembly factor 2; plus strand). Cytogenetic location: 11q12.2.
Variant type: single nucleotide variant.
Coding change: c.221G>A on transcript NM_017841.4 (MANE Select); coding-DNA position 221, G replaced by A.
Protein change: p.Ser74Asn; replaces serine 74 with asparagine.
Molecular consequence: missense variant.
Genome position (GRCh38, 1-based): chr11:61,437,809, G>A. VCF-style: chr11-61437809-G-A. GRCh37 (hg19) VCF-style: chr11-61205281-G-A.
Other names: short protein forms S74N.
Identifiers: ClinVar variation 411602 (VCV000411602.19), dbSNP rs1060503389, ClinGen allele CA16613651.